The following is an entry in ClinVar:

NM_000208.4(INSR):c.3220G>A (p.Glu1074Lys)

Gene: INSR (insulin receptor; minus strand). Cytogenetic location: 19p13.2.
Variant type: single nucleotide variant.
Coding change: c.3220G>A on transcript NM_000208.4 (MANE Select); coding-DNA position 3220, G replaced by A.
Protein change: p.Glu1074Lys; replaces glutamic acid 1074 with lysine.
Molecular consequence: missense variant.
Genome position (GRCh38, 1-based): chr19:7,125,321, C>T on the plus strand (G>A on the coding strand, the complement: INSR is on the minus strand). VCF-style: chr19-7125321-C-T. GRCh37 (hg19) VCF-style: chr19-7125332-C-T.
Other names: c.3184G>A, p.Glu1062Lys (NM_001079817.3); short protein forms E1062K, E1074K.
Identifiers: ClinVar variation 4531740 (VCV004531740.1).

ClinVar aggregate classification (germline): Uncertain significance (1 of 4 stars; one submission).

Conditions:
Leprechaunism syndrome. Also called: LEPRECHAUNISM; Donohue syndrome. Identifiers: Orphanet 508, MedGen C0265344, MONDO:0009517, OMIM 246200.

Submission:

Victorian Clinical Genetics Services, Murdoch Childrens Research Institute
Classification: Uncertain significance for Leprechaunism syndrome. Last evaluated: 2024-12-18. Review status: criteria provided, single submitter. Criteria: ACMG Guidelines, 2015. Collection method: clinical testing. Allele origin: germline. Affected: yes.
Comment: This variant is classified as VUS-3A. Evidence in support of pathogenic classification: Variant is absent from gnomAD (v2, v3 and v4); Another missense variant comparable to the one identified in this case has limited previous evidence for pathogenicity. p.(Glu1074Gln) has been reported as compound heterozygous in an individual with Rabson-Mendenhall syndrome (PMIDs: 35652305, 23824322); Missense variant predicted to be damaging by in silico tool(s) or highly conserved with a major amino acid change; Additional information: Variant is predicted to result in a missense amino acid change from glutamic acid to lysine; This variant is heterozygous; This gene is associated with both recessive and dominant disease. Donohue syndrome (MIM#246200) and Rabson-Mendenhall syndrome (MIM#262190) are associated with autosomal recessive inheritance, while hyperinsulinemic hypoglycemia, familial 5 (MIM#609968) is associated with autosomal dominant inheritance and diabetes mellitus, insulin-resistant, with acanthosis nigricans (MIM#610549) is associated with both dominant and recessive inheritance; This variant has no previous evidence of pathogenicity; No published segregation evidence has been identified for this variant; No published functional evidence has been identified for this variant; Variant is located in the annotated protein tyrosine and serine/threonine kinase domain (DECIPHER); Loss of function is a known mechanism of disease in this gene and is associated with INSR-related conditions (OMIM, PMID: 29369573).

Literature cited by the submitters: PubMed 35652305; PubMed 29369573; PubMed 23824322.